The following is an entry in ClinVar:

ClinVar aggregate classification (germline): Uncertain significance (1 of 4 stars; one submission).

Conditions:
Hereditary cancer-predisposing syndrome. Also called: Neoplastic Syndromes, Hereditary; Tumor predisposition; Hereditary neoplastic syndrome; Hereditary Cancer Syndrome. Identifiers: Orphanet 140162, MedGen C0027672, MeSH D009386, MONDO:0015356.

Submission:

Ambry Genetics
Classification: Uncertain significance for Hereditary cancer-predisposing syndrome. Last evaluated: 2018-01-03. Review status: criteria provided, single submitter. Criteria: Ambry Variant Classification Scheme 2023. Collection method: clinical testing. Allele origin: germline.
Comment: The p.G153D variant (also known as c.458G>A), located in coding exon 1 of the HOXB13 gene, results from a G to A substitution at nucleotide position 458. The glycine at codon 153 is replaced by aspartic acid, an amino acid with similar properties. This amino acid position is well conserved in available vertebrate species. In addition, this alteration is predicted to be deleterious by in silico analysis. Since supporting evidence is limited at this time, the clinical significance of this alteration remains unclear.

NM_006361.6(HOXB13):c.458G>A (p.Gly153Asp)

Gene: HOXB13 (homeobox B13; minus strand). Cytogenetic location: 17q21.32.
Variant type: single nucleotide variant.
Coding change: c.458G>A on transcript NM_006361.6 (MANE Select); coding-DNA position 458, G replaced by A.
Protein change: p.Gly153Asp; replaces glycine 153 with aspartic acid.
Molecular consequence: missense variant.
Genome position (GRCh38, 1-based): chr17:48,728,136, C>T on the plus strand (G>A on the coding strand, the complement: HOXB13 is on the minus strand). VCF-style: chr17-48728136-C-T. GRCh37 (hg19) VCF-style: chr17-46805498-C-T.
Other names: short protein forms G153D.
Identifiers: ClinVar variation 825023 (VCV000825023.4), dbSNP rs766929278, ClinGen allele CA400107413.